The following is an entry in ClinVar:

NM_021098.3(CACNA1H):c.442G>A (p.Ala148Thr)

Gene: CACNA1H (calcium voltage-gated channel subunit alpha1 H; plus strand). Cytogenetic location: 16p13.3.
Variant type: single nucleotide variant.
Coding change: c.442G>A on transcript NM_021098.3 (MANE Select); coding-DNA position 442, G replaced by A.
Protein change: p.Ala148Thr; replaces alanine 148 with threonine.
Molecular consequence: missense variant.
Genome position (GRCh38, 1-based): chr16:1,195,462, G>A. VCF-style: chr16-1195462-G-A. GRCh37 (hg19) VCF-style: chr16-1245462-G-A.
Other names: c.442G>A, p.Ala148Thr (NM_001005407.2); short protein forms A148T.
Identifiers: ClinVar variation 994571 (VCV000994571.3), dbSNP rs1966873069, ClinGen allele CA394152594.

ClinVar aggregate classification (germline): Uncertain significance. Review status: criteria provided, multiple submitters, no conflicts (2 of 4 stars). 2 submissions from 2 submitters: Uncertain significance (2). Last evaluated 2025-08-18.

Conditions:
Hyperaldosteronism, familial, type IV (HALD4). Also called: FH IV; ALDOSTERONISM, PRIMARY, AND HYPERTENSION. Identifiers: Orphanet 642671, MedGen C4310756, MONDO:0014875, OMIM 617027.
Idiopathic generalized epilepsy. Also called: Generalised epilepsy; EIG. Identifiers: MedGen C0270850, MONDO:0005579, OMIM 600669.

Allele frequency attached by ClinVar (database versions not stated): TOPMed below 0.00001.

Submissions (2):

Labcorp Genetics (formerly Invitae), Labcorp
Classification: Uncertain significance for Idiopathic generalized epilepsy; Hyperaldosteronism, familial, type IV. Last evaluated: 2025-08-18. Review status: criteria provided, single submitter. Criteria: Invitae Variant Classification Sherloc (09022015). Collection method: clinical testing. Allele origin: germline.
Comment: This sequence change replaces alanine, which is neutral and non-polar, with threonine, which is neutral and polar, at codon 148 of the CACNA1H protein (p.Ala148Thr). This variant is not present in population databases (gnomAD no frequency). This variant has not been reported in the literature in individuals affected with CACNA1H-related conditions. ClinVar contains an entry for this variant (Variation ID: 994571). Invitae Evidence Modeling of protein sequence and biophysical properties (such as structural, functional, and spatial information, amino acid conservation, physicochemical variation, residue mobility, and thermodynamic stability) indicates that this missense variant is not expected to disrupt CACNA1H protein function with a negative predictive value of 80%. In summary, the available evidence is currently insufficient to determine the role of this variant in disease. Therefore, it has been classified as a Variant of Uncertain Significance.

Athena Diagnostics
Classification: Uncertain significance. Last evaluated: 2019-12-12. Review status: criteria provided, single submitter. Criteria: Athena Diagnostics Criteria. Collection method: clinical testing. Allele origin: unknown.